The following is an entry in ClinVar:

ClinVar aggregate classification (germline): Uncertain significance. Review status: criteria provided, multiple submitters, no conflicts (2 of 4 stars). 3 submissions from 3 submitters: Uncertain significance (3). Last evaluated 2026-07-07.

Conditions:
CRB1-related disorder. Also called: CRB1-related condition; CRB1-related disorders.
Retinitis pigmentosa 12 (RP12). Also called: RP WITH OR WITHOUT PRESERVED PARAARTERIOLE RETINAL PIGMENT EPITHELIUM; RETINITIS PIGMENTOSA WITH OR WITHOUT PARAARTERIOLAR PRESERVATION OF RETINAL PIGMENT EPITHELIUM; RP WITH OR WITHOUT PPRPE. Identifiers: Orphanet 791, MedGen C1838647, MONDO:0010818, OMIM 600105.
Leber congenital amaurosis 8 (LCA8). Identifiers: Orphanet 65, MedGen C3151202, MONDO:0013453, OMIM 613835.

Allele frequency attached by ClinVar (database versions not stated): gnomAD exomes 0.00002; ExAC 0.00004.
gnomAD v4.1: 32 of 1,589,402 alleles (0.002%); highest among the groups gnomAD compares: South Asian, 0.0044%; no homozygotes.

Submissions (3):

PreventionGenetics, part of Exact Sciences
Classification: Uncertain significance for CRB1-related condition. Last evaluated: 2026-07-07. Review status: criteria provided, single submitter. Criteria: ACMG Guidelines, 2015. Collection method: clinical testing. Allele origin: germline.
Comment: The CRB1 c.1183G>A variant is predicted to result in the amino acid substitution p.Glu395Lys. This variant was reported in a large cohort of individuals with retinal disease (supplementary data, Karali et al. 2022. PubMed ID: 36460718). This variant is reported in 0.0065% of alleles in individuals of South Asian descent in gnomAD. At this time, the clinical significance of this variant is uncertain due to the absence of conclusive functional and genetic evidence.

Labcorp Genetics (formerly Invitae), Labcorp
Classification: Uncertain significance for Leber congenital amaurosis 8; Retinitis pigmentosa 12. Last evaluated: 2021-09-24. Review status: criteria provided, single submitter. Criteria: Invitae Variant Classification Sherloc (09022015). Collection method: clinical testing. Allele origin: germline.
Comment: This sequence change replaces glutamic acid with lysine at codon 395 of the CRB1 protein (p.Glu395Lys). The glutamic acid residue is highly conserved and there is a small physicochemical difference between glutamic acid and lysine. This variant is present in population databases (rs369775002, ExAC 0.01%). This variant has not been reported in the literature in individuals with CRB1-related conditions. Algorithms developed to predict the effect of missense changes on protein structure and function (SIFT, PolyPhen-2, Align-GVGD) all suggest that this variant is likely to be disruptive, but these predictions have not been confirmed by published functional studies and their clinical significance is uncertain. In summary, the available evidence is currently insufficient to determine the role of this variant in disease. Therefore, it has been classified as a Variant of Uncertain Significance.

Blueprint Genetics
Classification: Uncertain significance. Last evaluated: 2021-06-14. Review status: criteria provided, single submitter. Criteria: ACMG Guidelines, 2015. Collection method: clinical testing. Allele origin: germline.

NM_201253.3(CRB1):c.1183G>A (p.Glu395Lys)

Gene: CRB1 (crumbs cell polarity complex component 1; plus strand). Cytogenetic location: 1q31.3.
Variant type: single nucleotide variant.
Coding change: c.1183G>A on transcript NM_201253.3 (MANE Select); coding-DNA position 1183, G replaced by A.
Protein change: p.Glu395Lys; replaces glutamic acid 395 with lysine.
Molecular consequence: missense variant. On other transcripts: non-coding transcript variant (2).
Genome position (GRCh38, 1-based): chr1:197,421,011, G>A. VCF-style: chr1-197421011-G-A. GRCh37 (hg19) VCF-style: chr1-197390141-G-A.
Other names: c.847G>A, p.Glu283Lys (NM_001193640.2); c.976G>A, p.Glu326Lys (NM_001257965.2); c.1183G>A, p.Glu395Lys (NM_001257966.2); c.1183G>A (NM_201253.2); short protein forms E283K, E326K, E395K.
Identifiers: ClinVar variation 2203079 (VCV002203079.3), dbSNP rs369775002, ClinGen allele CA1311880.